The following is an entry in ClinVar:

NM_174936.4(PCSK9):c.743G>A (p.Arg248His)

Gene: PCSK9 (proprotein convertase subtilisin/kexin type 9; plus strand). Cytogenetic location: 1p32.3.
Variant type: single nucleotide variant.
Coding change: c.743G>A on transcript NM_174936.4 (MANE Select); coding-DNA position 743, G replaced by A.
Protein change: p.Arg248His; replaces arginine 248 with histidine.
Molecular consequence: missense variant.
Genome position (GRCh38, 1-based): chr1:55,052,735, G>A. VCF-style: chr1-55052735-G-A. GRCh37 (hg19) VCF-style: chr1-55518408-G-A.
Other names: c.866G>A, p.Arg289His (NM_001407240.1); c.743G>A, p.Arg248His (NM_001407241.1, NM_001407244.1, NM_001407247.1); c.746G>A, p.Arg249His (NM_001407242.1); c.686G>A, p.Arg229His (NM_001407243.1); c.551G>A, p.Arg184His (NM_001407245.1); c.368G>A, p.Arg123His (NM_001407246.1); short protein forms R248H, R123H, R229H, R249H, R184H, R289H.
Identifiers: ClinVar variation 375847 (VCV000375847.17), dbSNP rs749573024, ClinGen allele CA044252.

ClinVar aggregate classification (germline): Conflicting classifications of pathogenicity. Review status: criteria provided, conflicting classifications (1 of 4 stars). 6 submissions from 6 submitters: Uncertain significance (5); Likely benign (1). Last evaluated 2025-12-09.

Conditions:
Cardiovascular phenotype. Identifiers: MedGen CN230736.
Familial hypercholesterolemia. Also called: Familial hypercholesterolemias; Familial hypercholesterolaemia. Identifiers: MedGen C0020445, MONDO:0005439.
Hypercholesterolemia, autosomal dominant, 3 (FHCL3). Also called: Familial hypercholesterolemia 3; Familial Hypercholesterolemia, Autosomal Dominant, 3; PCSK9-Related Familial Hypercholesterolemia, Autosomal Dominant. Identifiers: MedGen C1863551, MONDO:0011369, OMIM 603776.

Allele frequency attached by ClinVar (database versions not stated): gnomAD 0.00001; TOPMed 0.00001; ExAC 0.00007.
gnomAD v4.1: 39 of 1,613,054 alleles (0.0024%); highest among the groups gnomAD compares: Middle Eastern, 0.033%; 1 homozygote.

Submissions (6):

Women's Health and Genetics/Laboratory Corporation of America, LabCorp
Classification: Uncertain significance. Last evaluated: 2025-12-09. Review status: criteria provided, single submitter. Criteria: LabCorp Variant Classification Summary - May 2015. Collection method: clinical testing. Allele origin: germline.
Comment: Variant summary: PCSK9 c.743G>A (p.Arg248His) results in a non-conservative amino acid change in the encoded protein sequence. Algorithms developed to predict the effect of missense changes on protein structure and function are either unavailable or do not agree on the potential impact of this missense change. The variant allele was found at a frequency of 6e-05 in 248896 control chromosomes in the gnomAD database, including 1 homozygotes. The observed variant frequency exceeds the estimated maximal expected allele frequency for disease-causing variants in PCSK9. . c.743G>A has been reported in the literature in individuals affected with Familial Hypercholesterolemia (Lamiquiz-Moneo_2021). These report(s) do not provide unequivocal conclusions about association of the variant with Familial Hypercholesterolemia. At least one publication reports experimental evidence that the variant causes increased proteolytic activity (example: Chorba_2018). The following publications have been ascertained in the context of this evaluation (PMID: 29259136, 32660911). ClinVar contains an entry for this variant (Variation ID: 375847). Based on the evidence outlined above, the variant was classified as uncertain significance.

Labcorp Genetics (formerly Invitae), Labcorp
Classification: Uncertain significance for Hypercholesterolemia, autosomal dominant, 3. Last evaluated: 2025-11-12. Review status: criteria provided, single submitter. Criteria: Invitae Variant Classification Sherloc (09022015). Collection method: clinical testing. Allele origin: germline.
Comment: This sequence change replaces arginine, which is basic and polar, with histidine, which is basic and polar, at codon 248 of the PCSK9 protein (p.Arg248His). This variant is present in population databases (rs749573024, gnomAD 0.02%). This variant has not been reported in the literature in individuals affected with PCSK9-related conditions. ClinVar contains an entry for this variant (Variation ID: 375847). Invitae Evidence Modeling of protein sequence and biophysical properties (such as structural, functional, and spatial information, amino acid conservation, physicochemical variation, residue mobility, and thermodynamic stability) indicates that this missense variant is not expected to disrupt PCSK9 protein function with a negative predictive value of 80%. Experimental studies have shown that this missense change affects PCSK9 function (PMID: 29259136). In summary, the available evidence is currently insufficient to determine the role of this variant in disease. Therefore, it has been classified as a Variant of Uncertain Significance.

Ambry Genetics
Classification: Uncertain significance for Cardiovascular phenotype. Last evaluated: 2025-03-13. Review status: criteria provided, single submitter. Criteria: Ambry Variant Classification Scheme 2023. Collection method: clinical testing. Allele origin: germline.
Comment: The p.R248H variant (also known as c.743G>A), located in coding exon 5 of the PCSK9 gene, results from a G to A substitution at nucleotide position 743. The arginine at codon 248 is replaced by histidine, an amino acid with highly similar properties. This amino acid position is not well conserved in available vertebrate species, and histidine is the reference amino acid in other vertebrate species. In addition, this alteration is predicted to be tolerated by in silico analysis. Since supporting evidence is limited at this time, the clinical significance of this alteration remains unclear.

All of Us Research Program, National Institutes of Health
Classification: Uncertain significance for Hypercholesterolemia, autosomal dominant, 3. Last evaluated: 2024-06-09. Review status: criteria provided, single submitter. Criteria: ACMG Guidelines, 2015. Collection method: clinical testing. Allele origin: germline. Inheritance: Autosomal dominant inheritance. Observed: 12 variant alleles, 12 heterozygotes.
Comment: This missense variant replaces arginine with histidine at codon 248 of the PCSK9 protein. Computational prediction suggests that this variant may not impact protein structure and function (internally defined REVEL score threshold <= 0.5, PMID: 27666373). A functional study has shown that the variant causes increased proteolytic activity (PMID: 29259136). This variant has been reported in an individual suspected of having familial hypercholesterolemia (PMID: 32660911). This variant has also been identified in 15/248896 chromosomes in the general population by the Genome Aggregation Database (gnomAD). The available evidence is insufficient to determine the role of this variant in disease conclusively. Therefore, this variant is classified as a Variant of Uncertain Significance.

This study involves interpretation of variants in research participants for the purpose of population health screening. Participant phenotype was not available at the time of variant classification. Additional details can be found in publication PMID: 35346344, PMCID: PMC8962531

Color Diagnostics, LLC DBA Color Health
Classification: Uncertain significance for Familial hypercholesterolemia. Last evaluated: 2024-02-14. Review status: criteria provided, single submitter. Criteria: ACMG Guidelines, 2015. Collection method: clinical testing. Allele origin: germline.
Comment: This missense variant replaces arginine with histidine at codon 248 of the PCSK9 protein. Computational prediction tools indicate that this variant has a neutral impact on protein structure and function. A functional study has shown that the variant causes increased proteolytic activity (PMID: 29259136). This variant has been reported in one individual suspected to be affected with familial hypercholesterolemia (PMID: 32660911). This variant has also been identified in 15/248896 chromosomes in the general population by the Genome Aggregation Database (gnomAD). The available evidence is insufficient to determine the role of this variant in disease conclusively. Therefore, this variant is classified as a Variant of Uncertain Significance.

Centre de Génétique Moléculaire et Chromosomique, Unité de génétique de l'Obésité et des Dyslipidémies, APHP, GH Hôpitaux Universitaires Pitié-Salpêtrière / Charles-Foix
Classification: Likely benign for Hypercholesterolemia, autosomal dominant, 3. Last evaluated: 2016-12-16. Review status: criteria provided, single submitter. Criteria: ACMG Guidelines, 2015. Collection method: clinical testing. Allele origin: germline. Affected: yes.
Comment: subject mutated among 2600 FH index cases screened = 1, family members = 4, without co-segregation / Software predictions: Benign

Literature cited by the submitters: PubMed 29259136 (cited by 4 submitters); PubMed 32660911 (cited by 3 submitters).